The following is an entry in ClinVar:

ClinVar aggregate classification (germline): Uncertain significance (1 of 4 stars; one submission).

Conditions:
Arrhythmogenic right ventricular dysplasia 12. Also called: ARRHYTHMOGENIC RIGHT VENTRICULAR DYSPLASIA, FAMILIAL, 12. Identifiers: MedGen C1969081, MONDO:0012684, OMIM 611528.
Naxos disease (NXD). Also called: PALMOPLANTAR KERATODERMA WITH ARRHYTHMOGENIC RIGHT VENTRICULAR CARDIOMYOPATHY AND WOOLLY HAIR; WOOLLY HAIR, PALMOPLANTAR KERATODERMA, AND CARDIAC ABNORMALITIES; KERATOSIS PALMOPLANTARIS WITH ARRHYTHMOGENIC CARDIOMYOPATHY; MAL DE NAXOS; CARDIOMYOPATHY, ARRHYTHMOGENIC RIGHT VENTRICULAR, WITH SKIN, HAIR, AND NAIL ABNORMALITIES. Identifiers: Orphanet 34217, MedGen C1832600, MONDO:0011017, OMIM 601214.

Allele frequency attached by ClinVar (database versions not stated): TOPMed below 0.00001.
gnomAD v4.1: 1 of 1,613,434 alleles (0.000062%); highest among the groups gnomAD compares: Non-Finnish European, 0.000085%; no homozygotes.

Submission:

Labcorp Genetics (formerly Invitae), Labcorp
Classification: Uncertain significance for Arrhythmogenic right ventricular dysplasia 12; Naxos disease. Last evaluated: 2023-10-03. Review status: criteria provided, single submitter. Criteria: Invitae Variant Classification Sherloc (09022015). Collection method: clinical testing. Allele origin: germline.
Comment: This sequence change replaces aspartic acid, which is acidic and polar, with glycine, which is neutral and non-polar, at codon 719 of the JUP protein (p.Asp719Gly). This variant is not present in population databases (gnomAD no frequency). This variant has not been reported in the literature in individuals affected with JUP-related conditions. ClinVar contains an entry for this variant (Variation ID: 1375170). An algorithm developed to predict the effect of missense changes on protein structure and function (PolyPhen-2) suggests that this variant is likely to be tolerated. In summary, the available evidence is currently insufficient to determine the role of this variant in disease. Therefore, it has been classified as a Variant of Uncertain Significance.

NM_002230.4(JUP):c.2156A>G (p.Asp719Gly)

Gene: JUP (junction plakoglobin; minus strand). Cytogenetic location: 17q21.2.
Variant type: single nucleotide variant.
Coding change: c.2156A>G on transcript NM_002230.4 (MANE Select); coding-DNA position 2156, A replaced by G.
Protein change: p.Asp719Gly; replaces aspartic acid 719 with glycine.
Molecular consequence: missense variant.
Genome position (GRCh38, 1-based): chr17:41,755,826, T>C on the plus strand (A>G on the coding strand, the complement: JUP is on the minus strand). VCF-style: chr17-41755826-T-C. GRCh37 (hg19) VCF-style: chr17-39912078-T-C.
Other names: c.2156A>G, p.Asp719Gly (NM_001352773.2, NM_001352774.2, NM_001352775.2 and 3 more transcripts); short protein forms D719G.
Identifiers: ClinVar variation 1375170 (VCV001375170.6), dbSNP rs1283154446, ClinGen allele CA399490515.